The following is an entry in ClinVar:

ClinVar aggregate classification (germline): Pathogenic/Likely pathogenic. Review status: criteria provided, multiple submitters, no conflicts (2 of 4 stars). 2 submissions from 2 submitters: Pathogenic (1); Likely pathogenic (1). Last evaluated 2025-06-15.

Conditions:
Autosomal recessive limb-girdle muscular dystrophy type R18 (LGMDR18). Also called: MUSCULAR DYSTROPHY, LIMB-GIRDLE, AUTOSOMAL RECESSIVE 18; Autosomal recessive limb-girdle muscular dystrophy type 2S; Limb-girdle muscular dystrophy, type 2S. Identifiers: Orphanet 369840, MedGen C4517996, MONDO:0014144, OMIM 615356.

Submissions (2):

Labcorp Genetics (formerly Invitae), Labcorp
Classification: Likely pathogenic for Autosomal recessive limb-girdle muscular dystrophy type R18. Last evaluated: 2025-06-15. Review status: criteria provided, single submitter. Criteria: Invitae Variant Classification Sherloc (09022015). Collection method: clinical testing. Allele origin: germline.
Comment: This sequence change affects an acceptor splice site in intron 15 of the TRAPPC11 gene. It is expected to disrupt RNA splicing. Variants that disrupt the donor or acceptor splice site typically lead to a loss of protein function (PMID: 16199547), and loss-of-function variants in TRAPPC11 are known to be pathogenic (PMID: 23830518, 26322222). This variant is not present in population databases (gnomAD no frequency). This variant has not been reported in the literature in individuals affected with TRAPPC11-related conditions. ClinVar contains an entry for this variant (Variation ID: 1033577). Algorithms developed to predict the effect of sequence changes on RNA splicing suggest that this variant may disrupt the consensus splice site. In summary, the currently available evidence indicates that the variant is pathogenic, but additional data are needed to prove that conclusively. Therefore, this variant has been classified as Likely Pathogenic.

Baylor Genetics
Classification: Pathogenic for Autosomal recessive limb-girdle muscular dystrophy type R18. Last evaluated: 2018-07-26. Review status: criteria provided, single submitter. Criteria: ACMG Guidelines, 2015. Collection method: clinical testing. Allele origin: paternal. Affected: yes.
Comment: This variant was determined to be pathogenic according to ACMG Guidelines, 2015 [PMID:25741868].

Literature cited by the submitters: PubMed 16199547 (cited by Labcorp Genetics (formerly Invitae), Labcorp); PubMed 23830518 (cited by Labcorp Genetics (formerly Invitae), Labcorp); PubMed 26322222 (cited by Labcorp Genetics (formerly Invitae), Labcorp).

NM_021942.6(TRAPPC11):c.1568-1G>T

Gene: TRAPPC11 (trafficking protein particle complex subunit 11; plus strand). Cytogenetic location: 4q35.1.
Variant type: single nucleotide variant.
Coding change: c.1568-1G>T on transcript NM_021942.6 (MANE Select); the canonical splice acceptor site of the intron before coding-DNA position 1568, G replaced by T.
Molecular consequence: splice acceptor variant.
Genome position (GRCh38, 1-based): chr4:183,685,083, G>T. VCF-style: chr4-183685083-G-T. GRCh37 (hg19) VCF-style: chr4-184606236-G-T.
Other names: c.1568-1G>T (NM_199053.3).
Identifiers: ClinVar variation 1033577 (VCV001033577.2), dbSNP rs1180079162, ClinGen allele CA358867761.